The following is an entry in ClinVar:

NM_012418.4(FSCN2):c.487G>A (p.Ala163Thr)

Gene: FSCN2 (fascin actin-bundling protein 2, retinal; plus strand). Cytogenetic location: 17q25.3.
Variant type: single nucleotide variant.
Coding change: c.487G>A on transcript NM_012418.4 (MANE Select); coding-DNA position 487, G replaced by A.
Protein change: p.Ala163Thr; replaces alanine 163 with threonine.
Molecular consequence: missense variant.
Genome position (GRCh38, 1-based): chr17:81,529,018, G>A. VCF-style: chr17-81529018-G-A. GRCh37 (hg19) VCF-style: chr17-79496044-G-A.
Other names: c.487G>A, p.Ala163Thr (NM_001077182.3); c.487G>A (NM_001077182.2); short protein forms A163T.
Identifiers: ClinVar variation 1039028 (VCV001039028.10), dbSNP rs367599003, ClinGen allele CA8836697.
Genomic context (GRCh38, chr17:81,529,018, plus strand): 5'-CTGCTGAGCGTGAGCCGGCGGCGCTACGTGCACCTGTGCCCGCGGGAGGACGAGATGGCC[G>A]CAGACGGAGACAAGCCCTGGGGCGTGGACGCCCTCCTCACCCTCATCTTCCGGAGCCGAC-3'
Protein context (NP_036550.1, residues 153-173): HLCPREDEMA[Ala163Thr]DGDKPWGVDA

ClinVar aggregate classification (germline): Uncertain significance. Review status: criteria provided, multiple submitters, no conflicts (2 of 4 stars). 2 submissions from 2 submitters: Uncertain significance (2). Last evaluated 2025-08-30.

Allele frequency attached by ClinVar (database versions not stated): ExAC 0.00005; gnomAD exomes 0.00005; ESP Exome Variant Server 0.00016; gnomAD 0.00018 and 0.00019; 1000 Genomes Project 0.00020; TOPMed 0.00022; 1000 Genomes Project 30x 0.00031.
gnomAD v4.1: 71 of 1,585,418 alleles (0.0045%); highest among the groups gnomAD compares: African/African-American, 0.07%; no homozygotes.

Submissions (2):

Labcorp Genetics (formerly Invitae), Labcorp
Classification: Uncertain significance. Last evaluated: 2025-08-30. Review status: criteria provided, single submitter. Criteria: Invitae Variant Classification Sherloc (09022015). Collection method: clinical testing. Allele origin: germline.
Comment: This sequence change replaces alanine, which is neutral and non-polar, with threonine, which is neutral and polar, at codon 163 of the FSCN2 protein (p.Ala163Thr). The frequency data for this variant in the population databases is considered unreliable, as metrics indicate poor data quality at this position in the gnomAD database. This variant has not been reported in the literature in individuals affected with FSCN2-related conditions. ClinVar contains an entry for this variant (Variation ID: 1039028). An algorithm developed to predict the effect of missense changes on protein structure and function outputs the following: PolyPhen-2: "Benign". The threonine amino acid residue is found in multiple mammalian species, which suggests that this missense change does not adversely affect protein function. In summary, the available evidence is currently insufficient to determine the role of this variant in disease. Therefore, it has been classified as a Variant of Uncertain Significance.

Ambry Genetics
Classification: Uncertain significance. Last evaluated: 2024-05-14. Review status: criteria provided, single submitter. Criteria: Ambry Variant Classification Scheme 2023. Collection method: clinical testing. Allele origin: germline.